The following is an entry in ClinVar:

NM_003579.4(RAD54L):c.1998C>G (p.Ile666Met)

Genes: LRRC41 (leucine rich repeat containing 41; minus strand), RAD54L (RAD54 like; plus strand). Cytogenetic location: 1p34.1.
Variant type: single nucleotide variant.
Coding change: c.1998C>G on transcript NM_003579.4 (MANE Select); coding-DNA position 1998, C replaced by G.
Protein change: p.Ile666Met; replaces isoleucine 666 with methionine.
Molecular consequence: missense variant. On other transcripts: 3 prime UTR variant (1).
Genome position (GRCh38, 1-based): chr1:46,277,945, C>G. VCF-style: chr1-46277945-C-G. GRCh37 (hg19) VCF-style: chr1-46743617-C-G.
Other names: c.*920G>C (NM_006369.5); c.1998C>G, p.Ile666Met (NM_001142548.2); c.1458C>G, p.Ile486Met (NM_001370766.1); short protein forms I486M, I666M.
Identifiers: ClinVar variation 1784089 (VCV001784089.2), dbSNP rs2525730067, ClinGen allele CA340190267.
Genomic context (GRCh38, chr1:46,277,945, plus strand): 5'-GGATGAGGAGCAGGATGTAGAGCGCCACTTCTCTCTGGGCGAGTTGAAGGAGCTGTTTAT[C>G]CTGGATGAAGCTAGCCTCAGTGACACACATGACAGGTGGGGAAGTGCCCTAACCATTATC-3'
Protein context (NP_003570.2, residues 656-676): FSLGELKELF[Ile666Met]LDEASLSDTH

ClinVar aggregate classification (germline): Uncertain significance (1 of 4 stars; one submission).

gnomAD v4.1: 3 of 1,614,108 alleles (0.00019%); highest among the groups gnomAD compares: Non-Finnish European, 0.00025%; no homozygotes.

Submission:

Ambry Genetics
Classification: Uncertain significance. Last evaluated: 2023-10-05. Review status: criteria provided, single submitter. Criteria: Ambry Variant Classification Scheme 2023. Collection method: clinical testing. Allele origin: germline.
Comment: The p.I666M variant (also known as c.1998C>G), located in coding exon 17 of the RAD54L gene, results from a C to G substitution at nucleotide position 1998. The isoleucine at codon 666 is replaced by methionine, an amino acid with highly similar properties. This amino acid position is conserved. In addition, this alteration is predicted to be tolerated by in silico analysis. Since supporting evidence is limited at this time, the clinical significance of this alteration remains unclear.